The following is an entry in ClinVar:

NM_014423.4(AFF4):c.1799_1800delinsAT (p.Arg600Asn)

Gene: AFF4 (ALF transcription elongation factor 4; minus strand). Cytogenetic location: 5q31.1.
Variant type: Indel.
Coding change: c.1799_1800delinsAT on transcript NM_014423.4 (MANE Select); coding-DNA positions 1799 to 1800, GA replaced by AT.
Protein change: p.Arg600Asn; replaces arginine 600 with asparagine.
Molecular consequence: missense variant.
Genome position (GRCh38, 1-based): chr5:132,896,830-132,896,831, TC replaced by AT on the plus strand (GA replaced by AT on the coding strand, the reverse complement: AFF4 is on the minus strand). VCF-style: chr5-132896830-TC-AT. GRCh37 (hg19) VCF-style: chr5-132232522-TC-AT.
Other names: short protein forms R600N.
Identifiers: ClinVar variation 4999953 (VCV004999953.1).

ClinVar aggregate classification (germline): Uncertain significance (1 of 4 stars; one submission).

Conditions:
AFF4-related disorder. Also called: AFF4-related condition.

Submission:

PreventionGenetics, part of Exact Sciences
Classification: Uncertain significance for AFF4-related condition. Last evaluated: 2025-08-09. Review status: criteria provided, single submitter. Criteria: ACMG Guidelines, 2015. Collection method: clinical testing. Allele origin: germline.
Comment: The AFF4 c.1799_1800delinsAT variant is predicted to result in an in-frame deletion and insertion. To our knowledge, this variant has not been reported in the literature or in a large population database (gnomAD), indicating this variant is rare. At this time, the clinical significance of this variant is uncertain due to the absence of conclusive functional and genetic evidence.